The following is an entry in ClinVar:

NM_022367.4(SEMA4A):c.77T>C (p.Leu26Pro)

Gene: SEMA4A (semaphorin 4A; plus strand). Cytogenetic location: 1q22.
Variant type: single nucleotide variant.
Coding change: c.77T>C on transcript NM_022367.4 (MANE Select); coding-DNA position 77, T replaced by C.
Protein change: p.Leu26Pro; replaces leucine 26 with proline.
Molecular consequence: missense variant. On other transcripts: 5 prime UTR variant (1), intron variant (3).
Genome position (GRCh38, 1-based): chr1:156,154,655, T>C. VCF-style: chr1-156154655-T-C. GRCh37 (hg19) VCF-style: chr1-156124446-T-C.
Other names: c.77T>C, p.Leu26Pro (NM_001193300.2, NM_001193301.2, NM_001370567.1); c.-448T>C (NM_001370571.1); c.-385-1759T>C (NM_001370569.1); c.-158-1759T>C (NM_001370568.1); c.-159+891T>C (NM_001193302.2); short protein forms L26P.
Identifiers: ClinVar variation 857841 (VCV000857841.11), dbSNP rs779154677, ClinGen allele CA1154888.

ClinVar aggregate classification (germline): Uncertain significance (1 of 4 stars; one submission).

Allele frequency attached by ClinVar (database versions not stated): gnomAD exomes below 0.00001; TOPMed below 0.00001; ExAC 0.00001.
gnomAD v4.1: 3 of 1,606,766 alleles (0.00019%); highest among the groups gnomAD compares: Non-Finnish European, 0.00025%; no homozygotes.

Submission:

Labcorp Genetics (formerly Invitae), Labcorp
Classification: Uncertain significance. Last evaluated: 2024-06-05. Review status: criteria provided, single submitter. Criteria: Invitae Variant Classification Sherloc (09022015). Collection method: clinical testing. Allele origin: germline.
Comment: This sequence change replaces leucine, which is neutral and non-polar, with proline, which is neutral and non-polar, at codon 26 of the SEMA4A protein (p.Leu26Pro). This variant is present in population databases (rs779154677, gnomAD 0.001%). This variant has not been reported in the literature in individuals affected with SEMA4A-related conditions. ClinVar contains an entry for this variant (Variation ID: 857841). Algorithms developed to predict the effect of missense changes on protein structure and function output the following: SIFT: "Not Available"; PolyPhen-2: "Benign"; Align-GVGD: "Not Available". The proline amino acid residue is found in multiple mammalian species, which suggests that this missense change does not adversely affect protein function. In summary, the available evidence is currently insufficient to determine the role of this variant in disease. Therefore, it has been classified as a Variant of Uncertain Significance.